The following is an entry in ClinVar:

Single allele

Genes: RBM33 (RNA binding motif protein 33; plus strand), SHH (sonic hedgehog signaling molecule; minus strand). Cytogenetic location: 7q36.3.
Variant type: Duplication.
Identifiers: ClinVar variation 560044 (VCV000560044.3).

ClinVar aggregate classification (germline): Likely pathogenic (1 of 4 stars; one submission).

Submission:

Geisinger Autism and Developmental Medicine Institute, Geisinger Health System
Classification: Likely pathogenic. Last evaluated: 2018-02-05. Review status: criteria provided, single submitter. Criteria: ACMG CNV Guidelines, 2011. Collection method: provider interpretation. Allele origin: unknown.
Comment: Parental or other family member testing was not possible. This duplication includes the SHH gene and additional duplications in the literature suggest it is causative for this patient's clinical features (Heide, 2017; Wong, 2015).

Literature cited by the submitters: PubMed 28284480; PubMed 25944787.